The following is an entry in ClinVar:

NM_000199.5(SGSH):c.734G>A (p.Arg245His)

Genes: CARD14 (caspase recruitment domain family member 14; plus strand), SGSH (N-sulfoglucosamine sulfohydrolase; minus strand). Cytogenetic location: 17q25.3.
Variant type: single nucleotide variant.
Coding change: c.734G>A on transcript NM_000199.5 (MANE Select); coding-DNA position 734, G replaced by A.
Protein change: p.Arg245His; replaces arginine 245 with histidine.
Molecular consequence: missense variant. On other transcripts: non-coding transcript variant (1).
Genome position (GRCh38, 1-based): chr17:80,213,815, C>T on the plus strand (G>A on the coding strand, the complement: SGSH is on the minus strand). VCF-style: chr17-80213815-C-T. GRCh37 (hg19) VCF-style: chr17-78187614-C-T.
Other names: c.734G>A, p.Arg245His (NM_001352921.3, NM_001352922.2); short protein forms R245H.
Identifiers: ClinVar variation 5107 (VCV000005107.92), dbSNP rs104894635, ClinGen allele CA117257.

ClinVar aggregate classification (germline): Pathogenic. Review status: criteria provided, multiple submitters, no conflicts (2 of 4 stars). 31 submissions from 31 submitters: Pathogenic (23). 8 of the submissions do not count toward it. Last evaluated 2026-07-30.

Conditions:
Sanfilippo syndrome. Also called: Sanfilippo disease; Mucopolysaccharidosis Type III; Mucopolysaccharidosis type 3. Identifiers: Orphanet 581, MedGen C0026706, MONDO:0018937.
SGSH-related disorder. Also called: SGSH-related condition.
Inborn genetic diseases. Identifiers: MedGen C0950123, MeSH D030342.
Neurodegeneration. Also called: Neurodegenerative illness; Neurodegenerative disease; neurodegenerative disorder. Identifiers: MedGen C0027746, MONDO:0005559, HP:0002180.
Mucopolysaccharidosis. Also called: Mucopolysaccharidoses. Identifiers: Orphanet 79213, MedGen C0026703, MeSH D009083, MONDO:0019249.
Mucopolysaccharidosis, MPS-III-A (MPS3A). Also called: HEPARAN SULFATE SULFATASE DEFICIENCY; MPS III A; mucopolysaccharidosis type 3A; Mucopolysaccharidosis type IIIA (Sanfilippo A); MUCOPOLYSACCHARIDOSIS, TYPE IIIA, ATTENUATED; MPS IIIA (Sanfilippo Syndrome Type A). Identifiers: Orphanet 581, Orphanet 79269, MedGen C0086647, MONDO:0009655, OMIM 252900.

Allele frequency attached by ClinVar (database versions not stated): 1000 Genomes Project 30x 0.00031; gnomAD 0.00039 and 0.00040; 1000 Genomes Project 0.00020; ExAC 0.00041; TOPMed 0.00041.
gnomAD v4.1: 830 of 1,602,690 alleles (0.052%); highest among the groups gnomAD compares: Non-Finnish European, 0.068%; no homozygotes.

Submissions 1 to 13 of 31:

Institute of Human Genetics, University of Leipzig Medical Center
Classification: Pathogenic for Mucopolysaccharidosis, MPS-III-A. Last evaluated: 2026-07-30. Review status: criteria provided, single submitter. Criteria: ACMG Guidelines, 2015. Collection method: clinical testing. Allele origin: unknown. Inheritance: Autosomal recessive inheritance. Affected: yes.
Comment: Criteria applied: PS3_MOD,PM2_SUP,PM3_VSTR,PP3

Labcorp Genetics (formerly Invitae), Labcorp
Classification: Pathogenic for Mucopolysaccharidosis, MPS-III-A. Last evaluated: 2026-02-03. Review status: criteria provided, single submitter. Criteria: Invitae Variant Classification Sherloc (09022015). Collection method: clinical testing. Allele origin: germline.
Comment: This sequence change replaces arginine, which is basic and polar, with histidine, which is basic and polar, at codon 245 of the SGSH protein (p.Arg245His). This variant is present in population databases (rs104894635, gnomAD 0.07%). This missense change has been observed in individual(s) with mucopolysaccharidosis type IIIA (PMID: 9158154, 9700599, 15146460, 21061399, 22976768, 26331342). In at least one individual the data is consistent with being in trans (on the opposite chromosome) from a pathogenic variant. ClinVar contains an entry for this variant (Variation ID: 5107). Invitae Evidence Modeling of protein sequence and biophysical properties (such as structural, functional, and spatial information, amino acid conservation, physicochemical variation, residue mobility, and thermodynamic stability) indicates that this missense variant is expected to disrupt SGSH protein function with a positive predictive value of 95%. Experimental studies have shown that this missense change affects SGSH function (PMID: 10601282). For these reasons, this variant has been classified as Pathogenic.

Natera, Inc.
Classification: Pathogenic for Mucopolysaccharidosis type IIIA. Last evaluated: 2025-12-01. Review status: criteria provided, single submitter. Criteria: Natera Variant Classification Schema (03/2026). Collection method: clinical testing. Allele origin: germline.
Comment: The c.734G>A variant in SGSH is a missense variant predicted to cause substitution of arginine to histidine at amino acid 245. This variant is rare in the general population with a frequency below the threshold expected for the associated phenotype(s). This variant has been observed in one or more individuals affected with the associated recessive disease, as either homozygous or compound heterozygous with a second variant (PMID: 9700599, 21204211). Computational prediction algorithms indicate this variant is likely to affect gene or protein function. Given the available evidence, this variant is classified as Pathogenic.

Victorian Clinical Genetics Services, Murdoch Childrens Research Institute
Classification: Pathogenic for Mucopolysaccharidosis, MPS-III-A. Last evaluated: 2025-11-11. Review status: criteria provided, single submitter. Criteria: ACMG Guidelines, 2015. Collection method: clinical testing. Allele origin: germline. Affected: yes.
Comment: This variant is classified as Pathogenic. Evidence in support of pathogenic classification: Variant is present in gnomAD <0.01 for a recessive condition (v4: 830 heterozygote(s), 0 homozygote(s)); This variant has strong previous evidence of pathogenicity in unrelated individuals. This variant has been classified as pathogenic by many clinical laboratories (ClinVar). Additional information: Variant is predicted to result in a missense amino acid change from arginine to histidine; This variant is heterozygous; This gene is associated with autosomal recessive disease; Multiple alternative amino acid changes at the same position have been observed in gnomAD (v4) (highest allele count: 4 heterozygotes, 0 homozygotes); Loss of function is a known mechanism of disease in this gene and is associated with mucopolysaccharidosis type IIIA (Sanfilippo A) (MIM#252900).

Variantyx, Inc.
Classification: Pathogenic for Mucopolysaccharidosis, MPS-III-A. Last evaluated: 2025-10-17. Review status: criteria provided, single submitter. Criteria: Variantyx Assertion Criteria 2022. Collection method: clinical testing. Allele origin: germline. Inheritance: Autosomal recessive inheritance. Affected: no.
Comment: This is a nonsynonymous variant in the SGSH gene (OMIM: 605270). Pathogenic variants in this gene have been associated with autosomal recessive mucopolysaccharidosis type IIIA. The clinical symptoms reported for this individual are highly specific for autosomal recessive mucopolysaccharidosis type IIIA, which has a limited genetic etiology (PP4). This variant has been reported in the homozygous or compound heterozygous state in many unrelated affected individuals (PMID: 9158154, 9700599, 15146460, 21061399, 22976768, 26331342) (PM3). Functional studies have shown that this variant alters SGSH protein function (PMID: 10601282) (PS3), and multiple computational algorithms predict a deleterious effect for this variant (REVEL score: 0.898) (PP3). Moreover, an alternate amino acid change at this position (p.Arg245Cys) has been previously reported in similarly affected individuals, which suggests that this residue is biologically important (PMID: 34991944) (PM5). This variant has a 0.0685% maximum allele frequency in non-founder control populations (PM2). Based on the current evidence, this variant is classified as pathogenic for autosomal recessive mucopolysaccharidosis type IIIA.

CeGaT Center for Human Genetics Tuebingen
Classification: Pathogenic. Last evaluated: 2025-02-01. Review status: criteria provided, single submitter. Criteria: CeGaT Center For Human Genetics Tuebingen Variant Classification Criteria Version 2. Collection method: clinical testing. Allele origin: germline. Affected: yes. Observed: 10 variant alleles.
Comment: SGSH: PM3:Very Strong, PM2, PM5

Blueprint Genetics
Classification: Pathogenic for SGSH-related disorders. Last evaluated: 2024-10-23. Review status: criteria provided, single submitter. Criteria: ACMG Guidelines, 2015. Collection method: clinical testing. Allele origin: germline. Affected: yes. Observed: 5 variant alleles.

Fulgent Genetics
Classification: Pathogenic for Mucopolysaccharidosis, MPS-III-A. Last evaluated: 2024-04-02. Review status: criteria provided, single submitter. Criteria: ACMG Guidelines, 2015. Collection method: clinical testing. Allele origin: germline.

Revvity Omics, Revvity
Classification: Pathogenic for Mucopolysaccharidosis, MPS-III-A. Last evaluated: 2023-05-22. Review status: criteria provided, single submitter. Criteria: ACMG Guidelines, 2015. Collection method: clinical testing. Allele origin: germline.

Institute of Medical Genetics and Applied Genomics, University Hospital Tübingen
Classification: Pathogenic for Mucopolysaccharidosis, MPS-III-A. Last evaluated: 2022-02-11. Review status: criteria provided, single submitter. Criteria: ACMG Guidelines, 2015. Collection method: clinical testing. Allele origin: germline. Inheritance: Autosomal recessive inheritance. Affected: yes.

GeneDx
Classification: Pathogenic. Last evaluated: 2021-12-29. Review status: criteria provided, single submitter. Criteria: GeneDx Variant Classification Process June 2021. Collection method: clinical testing. Allele origin: germline. Affected: yes.
Comment: Published functional studies found R245H is associated with significantly reduced sulfamidase activity (Perkins et al., 1999); In silico analysis, which includes protein predictors and evolutionary conservation, supports a deleterious effect; This variant is associated with the following publications: (PMID: 18407553, 11182930, 25807448, 19383612, 21671382, 21061399, 10601282, 26331342, 9285796, 9158154, 24816101, 26787381, 27590925, 21228398, 31718697, 31980526, 32036093, 31589614, 12490062, 31031587, 33726816, 29023963)

Genome-Nilou Lab
Classification: Pathogenic for Mucopolysaccharidosis, MPS-III-A. Last evaluated: 2021-11-07. Review status: criteria provided, single submitter. Criteria: ACMG Guidelines, 2015. Collection method: clinical testing. Allele origin: germline. Affected: no.

Centre for Inherited Metabolic Diseases, Karolinska University Hospital
Classification: Pathogenic for Mucopolysaccharidosis, MPS-III-A. Last evaluated: 2021-03-25. Review status: criteria provided, single submitter. Criteria: ACMG Guidelines, 2015. Collection method: clinical testing. Allele origin: germline. Inheritance: Autosomal recessive inheritance. Affected: yes. Observed: 1 compound heterozygote.